The following is an entry in ClinVar:

NM_012418.4(FSCN2):c.519C>T (p.Ala173=)

Gene: FSCN2 (fascin actin-bundling protein 2, retinal; plus strand). Cytogenetic location: 17q25.3.
Variant type: single nucleotide variant.
Coding change: c.519C>T on transcript NM_012418.4 (MANE Select); coding-DNA position 519, C replaced by T.
Protein change: p.Ala173=; no amino-acid change (alanine 173 retained).
Molecular consequence: synonymous variant.
Genome position (GRCh38, 1-based): chr17:81,529,050, C>T. VCF-style: chr17-81529050-C-T. GRCh37 (hg19) VCF-style: chr17-79496076-C-T.
Other names: c.519C>T, p.Ala173= (NM_001077182.3).
Identifiers: ClinVar variation 1101033 (VCV001101033.36), dbSNP rs368029027, ClinGen allele CA8836705.

ClinVar aggregate classification (germline): Likely benign. Review status: criteria provided, multiple submitters, no conflicts (2 of 4 stars). 5 submissions from 5 submitters: Likely benign (3). 2 of the submissions do not count toward it. Last evaluated 2025-12-15.

Allele frequency attached by ClinVar (database versions not stated): gnomAD exomes 0.00043 and 0.00066; TOPMed 0.00046; gnomAD 0.00054 and 0.00060; ESP Exome Variant Server 0.00055; ExAC 0.00061.

Submissions (5):

Labcorp Genetics (formerly Invitae), Labcorp
Classification: Likely benign. Last evaluated: 2025-12-15. Review status: criteria provided, single submitter. Criteria: Invitae Variant Classification Sherloc (09022015). Collection method: clinical testing. Allele origin: germline.

Blueprint Genetics
Classification: Likely benign. Last evaluated: 2024-11-27. Review status: criteria provided, single submitter. Criteria: ACMG Guidelines, 2015. Collection method: clinical testing. Allele origin: germline.

CeGaT Center for Human Genetics Tuebingen
Classification: Likely benign. Last evaluated: 2023-03-01. Review status: criteria provided, single submitter. Criteria: CeGaT Center For Human Genetics Tuebingen Variant Classification Criteria Version 2. Collection method: clinical testing. Allele origin: germline. Affected: yes. Observed: 1 variant allele.
Comment: FSCN2: BP4, BP7

Clinical Genetics DNA and cytogenetics Diagnostics Lab, Erasmus MC, Erasmus Medical Center
Classification: Likely benign. Review status: no assertion criteria provided. Collection method: clinical testing. Allele origin: germline. Affected: yes. Study: VKGL Data-share Consensus. Not counted in ClinVar's aggregate classification.

Clinical Genetics, Academic Medical Center
Classification: Benign. Review status: no assertion criteria provided. Collection method: clinical testing. Allele origin: germline. Affected: yes. Study: VKGL Data-share Consensus. Not counted in ClinVar's aggregate classification.